The following is an entry in ClinVar:

ClinVar aggregate classification (germline): Uncertain significance (1 of 4 stars; one submission).

Conditions:
BRD4-related disorder. Also called: BRD4-related condition.

Submission:

PreventionGenetics, part of Exact Sciences
Classification: Uncertain significance for BRD4-related condition. Last evaluated: 2024-11-27. Review status: criteria provided, single submitter. Criteria: ACMG Guidelines, 2015. Collection method: clinical testing. Allele origin: germline.
Comment: The BRD4 c.3761G>A variant is predicted to result in the amino acid substitution p.Arg1254Gln. To our knowledge, this variant has not been reported in the literature or in a large population database, indicating the variant is rare. At this time, the clinical significance of this variant is uncertain due to the absence of conclusive functional and genetic evidence.

NM_001379291.1(BRD4):c.3761G>A (p.Arg1254Gln)

Gene: BRD4 (bromodomain containing 4; minus strand). Cytogenetic location: 19p13.12.
Variant type: single nucleotide variant.
Coding change: c.3761G>A on transcript NM_001379291.1 (MANE Select); coding-DNA position 3761, G replaced by A.
Protein change: p.Arg1254Gln; replaces arginine 1254 with glutamine.
Molecular consequence: missense variant.
Genome position (GRCh38, 1-based): chr19:15,239,080, C>T on the plus strand (G>A on the coding strand, the complement: BRD4 is on the minus strand). VCF-style: chr19-15239080-C-T. GRCh37 (hg19) VCF-style: chr19-15349891-C-T.
Other names: c.3761G>A, p.Arg1254Gln (NM_058243.3); short protein forms R1254Q.
Identifiers: ClinVar variation 4999935 (VCV004999935.1).